The following is an entry in ClinVar:

NM_000268.4(NF2):c.300T>A (p.Phe100Leu)

Gene: NF2 (NF2, moesin-ezrin-radixin like (MERLIN) tumor suppressor; plus strand). Cytogenetic location: 22q12.2.
Variant type: single nucleotide variant.
Coding change: c.300T>A on transcript NM_000268.4 (MANE Select); coding-DNA position 300, T replaced by A.
Protein change: p.Phe100Leu; replaces phenylalanine 100 with leucine.
Molecular consequence: missense variant. On other transcripts: non-coding transcript variant (1), intron variant (3).
Genome position (GRCh38, 1-based): chr22:29,639,149, T>A. VCF-style: chr22-29639149-T-A. GRCh37 (hg19) VCF-style: chr22-30035138-T-A.
Other names: c.300T>A, p.Phe100Leu (NM_016418.5, NM_181825.3, NM_181832.3 and 1 more transcripts); c.174T>A, p.Phe58Leu (NM_181828.3); c.240+2273T>A (NM_181829.3); c.115-3053T>A (NM_181830.3, NM_181831.3); short protein forms F100L, F58L.
Identifiers: ClinVar variation 457913 (VCV000457913.11), dbSNP rs1555987677, ClinGen allele CA411153250.

ClinVar aggregate classification (germline): Uncertain significance (1 of 4 stars; one submission).

Conditions:
Neurofibromatosis, type 2 (SWNV). Also called: BILATERAL ACOUSTIC NEUROFIBROMATOSIS; SCHWANNOMATOSIS, VESTIBULAR; NF2-Related Schwannomatosis. Identifiers: Orphanet 637, MedGen C0027832, MONDO:0007039, OMIM 101000. Disease mechanism: loss of function.

Submission:

Labcorp Genetics (formerly Invitae), Labcorp
Classification: Uncertain significance for Neurofibromatosis, type 2. Last evaluated: 2022-01-28. Review status: criteria provided, single submitter. Criteria: Invitae Variant Classification Sherloc (09022015). Collection method: clinical testing. Allele origin: germline.
Comment: In summary, the available evidence is currently insufficient to determine the role of this variant in disease. Therefore, it has been classified as a Variant of Uncertain Significance. Algorithms developed to predict the effect of missense changes on protein structure and function are either unavailable or do not agree on the potential impact of this missense change (SIFT: "Deleterious"; PolyPhen-2: "Probably Damaging"; Align-GVGD: "Class C15"). ClinVar contains an entry for this variant (Variation ID: 457913). This variant has not been reported in the literature in individuals affected with NF2-related conditions. This variant is not present in population databases (gnomAD no frequency). This sequence change replaces phenylalanine, which is neutral and non-polar, with leucine, which is neutral and non-polar, at codon 100 of the NF2 protein (p.Phe100Leu).